The following is an entry in ClinVar:

NM_001292034.3(TAB2):c.1589C>A (p.Ala530Asp)

Genes: TAB2 (TGF-beta activated kinase 1 (MAP3K7) binding protein 2; plus strand), LOC126859827 (BRD4-independent group 4 enhancer GRCh37_chr6:149699707-149700906; plus strand). Cytogenetic location: 6q25.1.
Variant type: single nucleotide variant.
Coding change: c.1589C>A on transcript NM_001292034.3 (MANE Select); coding-DNA position 1589, C replaced by A.
Protein change: p.Ala530Asp; replaces alanine 530 with aspartic acid.
Molecular consequence: missense variant.
Genome position (GRCh38, 1-based): chr6:149,379,504, C>A. VCF-style: chr6-149379504-C-A. GRCh37 (hg19) VCF-style: chr6-149700640-C-A.
Other names: c.1493C>A, p.Ala498Asp (NM_001292035.3); c.1589C>A, p.Ala530Asp (NM_001369506.1, NM_015093.6); c.1589C>A (NM_015093.4); short protein forms A498D, A530D.
Identifiers: ClinVar variation 2416546 (VCV002416546.10), dbSNP rs200669477, ClinGen allele CA4041574.
Genomic context (GRCh38, chr6:149,379,504, plus strand): 5'-CATTAGCACATGTGGATAGAATAAGTGAAACACGGAAACTGAGTATGGGATCTGATGATG[C>A]TGCCTACACACAAGGTAATATGAATACTAAAGGTGGGATGGTTTTCCATGCTGGGCTTGT-3'
Protein context (NP_001278963.1, residues 520-540): TRKLSMGSDD[Ala530Asp]AYTQALLVHQ

ClinVar aggregate classification (germline): Conflicting classifications of pathogenicity. Review status: criteria provided, conflicting classifications (1 of 4 stars). 3 submissions from 3 submitters: Uncertain significance (2); Likely benign (1). Last evaluated 2025-09-03.

Allele frequency attached by ClinVar (database versions not stated): ESP Exome Variant Server 0.00008; TOPMed 0.00012; gnomAD 0.00015; gnomAD exomes 0.00019; ExAC 0.00041.
gnomAD v4.1: 299 of 1,613,936 alleles (0.019%); highest among the groups gnomAD compares: Non-Finnish European, 0.02%; no homozygotes.

Submissions (3):

GeneDx
Classification: Uncertain significance. Last evaluated: 2025-09-03. Review status: criteria provided, single submitter. Criteria: GeneDx Variant Classification Process June 2021. Collection method: clinical testing. Allele origin: germline.
Comment: Has not been previously published as pathogenic or benign to our knowledge; In silico analysis suggests that this missense variant does not alter protein structure/function

Labcorp Genetics (formerly Invitae), Labcorp
Classification: Uncertain significance. Last evaluated: 2025-01-07. Review status: criteria provided, single submitter. Criteria: Invitae Variant Classification Sherloc (09022015). Collection method: clinical testing. Allele origin: germline.
Comment: This sequence change replaces alanine, which is neutral and non-polar, with aspartic acid, which is acidic and polar, at codon 530 of the TAB2 protein (p.Ala530Asp). This variant is present in population databases (rs200669477, gnomAD 0.05%), and has an allele count higher than expected for a pathogenic variant. This variant has not been reported in the literature in individuals affected with TAB2-related conditions. ClinVar contains an entry for this variant (Variation ID: 2416546). Invitae Evidence Modeling of protein sequence and biophysical properties (such as structural, functional, and spatial information, amino acid conservation, physicochemical variation, residue mobility, and thermodynamic stability) indicates that this missense variant is not expected to disrupt TAB2 protein function with a negative predictive value of 80%. In summary, the available evidence is currently insufficient to determine the role of this variant in disease. Therefore, it has been classified as a Variant of Uncertain Significance.

Blueprint Genetics
Classification: Likely benign. Last evaluated: 2024-08-23. Review status: criteria provided, single submitter. Criteria: ACMG Guidelines, 2015. Collection method: clinical testing. Allele origin: germline.